The following is an entry in ClinVar:

ClinVar aggregate classification (germline): Uncertain significance. Review status: criteria provided, multiple submitters, no conflicts (2 of 4 stars). 2 submissions from 2 submitters: Uncertain significance (2). Last evaluated 2025-07-21.

Submissions (2):

Women's Health and Genetics/Laboratory Corporation of America, LabCorp
Classification: Uncertain significance. Last evaluated: 2025-07-21. Review status: criteria provided, single submitter. Criteria: LabCorp Variant Classification Summary - May 2015. Collection method: clinical testing. Allele origin: germline.
Comment: Variant summary: COL4A5 c.1873T>G (p.Phe625Val) results in a non-conservative amino acid change located in the collagen triple helix repeat domain (IPR008160) of the encoded protein sequence. Algorithms developed to predict the effect of missense changes on protein structure and function are either unavailable or do not agree on the potential impact of this missense change. The variant was absent in 182998 control chromosomes. The available data on variant occurrences in the general population are insufficient to allow any conclusion about variant significance. To our knowledge, no occurrence of c.1873T>G in individuals affected with X-Linked Alport Syndrome and no experimental evidence demonstrating its impact on protein function have been reported. No submitters have cited clinical-significance assessments for this variant to ClinVar. Based on the evidence outlined above, the variant was classified as uncertain significance.

Blueprint Genetics
Classification: Uncertain significance. Last evaluated: 2021-12-29. Review status: criteria provided, single submitter. Criteria: ACMG Guidelines, 2015. Collection method: clinical testing. Allele origin: germline.

NM_033380.3(COL4A5):c.1873T>G (p.Phe625Val)

Gene: COL4A5 (collagen type IV alpha 5 chain; plus strand). Cytogenetic location: Xq22.3.
Variant type: single nucleotide variant.
Coding change: c.1873T>G on transcript NM_033380.3 (MANE Select); coding-DNA position 1873, T replaced by G.
Protein change: p.Phe625Val; replaces phenylalanine 625 with valine.
Molecular consequence: missense variant.
Genome position (GRCh38, 1-based): chrX:108,598,795, T>G. VCF-style: chrX-108598795-T-G. GRCh37 (hg19) VCF-style: chrX-107842025-T-G.
Other names: c.1873T>G, p.Phe625Val (NM_000495.5); short protein forms F625V.
Identifiers: ClinVar variation 4525723 (VCV004525723.2).